The following is an entry in ClinVar:

ClinVar aggregate classification (germline): Uncertain significance (1 of 4 stars; one submission).

Conditions:
Popliteal pterygium syndrome (PPS). Identifiers: Orphanet 294963, MedGen C0265259, MONDO:0017435.
Orofacial cleft 6, susceptibility to (OFC6). Also called: CLEFT LIP WITH OR WITHOUT CLEFT PALATE, NONSYNDROMIC, 6. Identifiers: MedGen C1837213, MONDO:0012141, OMIM 608864.
Van der Woude syndrome. Identifiers: Orphanet 888, MedGen C0175697, MONDO:0019508.

Submission:

Labcorp Genetics (formerly Invitae), Labcorp
Classification: Uncertain significance for Orofacial cleft 6, susceptibility to; Van der Woude syndrome; Popliteal pterygium syndrome. Last evaluated: 2019-09-01. Review status: criteria provided, single submitter. Criteria: Invitae Variant Classification Sherloc (09022015). Collection method: clinical testing. Allele origin: germline.
Comment: In summary, the available evidence is currently insufficient to determine the role of this variant in disease. Therefore, it has been classified as a Variant of Uncertain Significance. This variant has been reported to affect IRF6 protein function (PMID: 19036739). This variant has been observed in a family affected with clinical features of Van der Woude syndrome (PMID: 12219090). This variant is not present in population databases (ExAC no frequency). This sequence change replaces valine with methionine at codon 18 of the IRF6 protein (p.Val18Met). The valine residue is highly conserved and there is a small physicochemical difference between valine and methionine.

Literature cited by the submitters: PubMed 19036739; PubMed 12219090.

NM_006147.4(IRF6):c.52G>A (p.Val18Met)

Gene: IRF6 (interferon regulatory factor 6; minus strand). Cytogenetic location: 1q32.2.
Variant type: single nucleotide variant.
Coding change: c.52G>A on transcript NM_006147.4 (MANE Select); coding-DNA position 52, G replaced by A.
Protein change: p.Val18Met; replaces valine 18 with methionine.
Molecular consequence: missense variant. On other transcripts: intron variant (1).
Genome position (GRCh38, 1-based): chr1:209,801,362, C>T on the plus strand (G>A on the coding strand, the complement: IRF6 is on the minus strand). VCF-style: chr1-209801362-C-T. GRCh37 (hg19) VCF-style: chr1-209974707-C-T.
Other names: c.-112+4585G>A (NM_001206696.2); short protein forms V18M.
Identifiers: ClinVar variation 959992 (VCV000959992.11), dbSNP rs2077940645, ClinGen allele CA344585961.